The following is an entry in ClinVar:

NM_001148.6(ANK2):c.3797-3C>T

Gene: ANK2 (ankyrin 2; plus strand). Cytogenetic location: 4q26.
Variant type: single nucleotide variant.
Coding change: c.3797-3C>T on transcript NM_001148.6 (MANE Select); 3 bases into the intron before coding-DNA position 3797, C replaced by T.
Molecular consequence: intron variant.
Genome position (GRCh38, 1-based): chr4:113,339,223, C>T. VCF-style: chr4-113339223-C-T. GRCh37 (hg19) VCF-style: chr4-114260379-C-T.
Other names: c.3782-3C>T (NM_001386186.2, NM_001386148.2); c.3584-3C>T (NM_001354269.3); c.3662-3C>T (NM_001386187.2); c.3656-3C>T (NM_001386147.1, NM_001354261.2); c.3641-3C>T (NM_001386160.1); c.3746-3C>T (NM_001354254.2); c.3767-3C>T (NM_001354239.2, NM_001354252.2); c.3668-3C>T (NM_001354272.2); and 31 more.
Identifiers: ClinVar variation 4740354 (VCV004740354.1).

ClinVar aggregate classification (germline): Uncertain significance (1 of 4 stars; one submission).

Conditions:
Long QT syndrome (LQTS). Identifiers: MedGen C0023976, MeSH D008133, MONDO:0002442. Disease mechanism: loss of function. Inheritance: Various modes of inheritance.

Submission:

Labcorp Genetics (formerly Invitae), Labcorp
Classification: Uncertain significance for Long QT syndrome. Last evaluated: 2025-05-23. Review status: criteria provided, single submitter. Criteria: Invitae Variant Classification Sherloc (09022015). Collection method: clinical testing. Allele origin: germline.
Comment: This sequence change falls in intron 31 of the ANK2 gene. It does not directly change the encoded amino acid sequence of the ANK2 protein. It affects a nucleotide within the consensus splice site. This variant is not present in population databases (gnomAD no frequency). This variant has not been reported in the literature in individuals affected with ANK2-related conditions. Variants that disrupt the consensus splice site are a relatively common cause of aberrant splicing (PMID: 17576681, 9536098). Algorithms developed to predict the effect of sequence changes on RNA splicing suggest that this variant is not likely to affect RNA splicing. In summary, the available evidence is currently insufficient to determine the role of this variant in disease. Therefore, it has been classified as a Variant of Uncertain Significance.

Literature cited by the submitters: PubMed 17576681; PubMed 9536098.